The following is an entry in ClinVar:

NM_001330588.2(TPP2):c.2576T>C (p.Ile859Thr)

Gene: TPP2 (tripeptidyl peptidase 2; plus strand). Cytogenetic location: 13q33.1.
Variant type: single nucleotide variant.
Coding change: c.2576T>C on transcript NM_001330588.2 (MANE Select); coding-DNA position 2576, T replaced by C.
Protein change: p.Ile859Thr; replaces isoleucine 859 with threonine.
Molecular consequence: missense variant. On other transcripts: non-coding transcript variant (1).
Genome position (GRCh38, 1-based): chr13:102,647,292, T>C. VCF-style: chr13-102647292-T-C. GRCh37 (hg19) VCF-style: chr13-103299642-T-C.
Other names: c.2576T>C, p.Ile859Thr (NM_001367947.1, NM_003291.4); short protein forms I859T.
Identifiers: ClinVar variation 1405275 (VCV001405275.8), dbSNP rs2139540651, ClinGen allele CA388499929.

ClinVar aggregate classification (germline): Uncertain significance (1 of 4 stars; one submission).

Conditions:
Evans syndrome, immunodeficiency, and premature immunosenescence associated with tripeptidyl-peptidase II deficiency. Identifiers: MedGen CN231723. Disease mechanism: loss of function.

Submission:

Labcorp Genetics (formerly Invitae), Labcorp
Classification: Uncertain significance for Evans syndrome, immunodeficiency, and premature immunosenescence associated with tripeptidyl-peptidase II deficiency. Last evaluated: 2020-11-22. Review status: criteria provided, single submitter. Criteria: Invitae Variant Classification Sherloc (09022015). Collection method: clinical testing. Allele origin: germline.
Comment: This sequence change replaces isoleucine with threonine at codon 859 of the TPP2 protein (p.Ile859Thr). The isoleucine residue is moderately conserved and there is a moderate physicochemical difference between isoleucine and threonine. This variant is not present in population databases (ExAC no frequency). This variant has not been reported in the literature in individuals with TPP2-related conditions. Algorithms developed to predict the effect of missense changes on protein structure and function are either unavailable or do not agree on the potential impact of this missense change (SIFT: "Deleterious"; PolyPhen-2: "Benign"; Align-GVGD: "Class C45"). In summary, the available evidence is currently insufficient to determine the role of this variant in disease. Therefore, it has been classified as a Variant of Uncertain Significance.